The following is an entry in ClinVar:

NM_013432.5(TONSL):c.403G>A (p.Ala135Thr)

Gene: TONSL (tonsoku like, DNA repair protein; minus strand). Cytogenetic location: 8q24.3.
Variant type: single nucleotide variant.
Coding change: c.403G>A on transcript NM_013432.5 (MANE Select); coding-DNA position 403, G replaced by A.
Protein change: p.Ala135Thr; replaces alanine 135 with threonine.
Molecular consequence: missense variant.
Genome position (GRCh38, 1-based): chr8:144,443,183, C>T on the plus strand (G>A on the coding strand, the complement: TONSL is on the minus strand). VCF-style: chr8-144443183-C-T. GRCh37 (hg19) VCF-style: chr8-145668566-C-T.
Other names: short protein forms A135T.
Identifiers: ClinVar variation 1998936 (VCV001998936.4), dbSNP rs1474254324, ClinGen allele CA372678999.

ClinVar aggregate classification (germline): Uncertain significance (1 of 4 stars; one submission).

Submission:

Labcorp Genetics (formerly Invitae), Labcorp
Classification: Uncertain significance. Last evaluated: 2022-06-08. Review status: criteria provided, single submitter. Criteria: Invitae Variant Classification Sherloc (09022015). Collection method: clinical testing. Allele origin: germline.
Comment: In summary, the available evidence is currently insufficient to determine the role of this variant in disease. Therefore, it has been classified as a Variant of Uncertain Significance. Algorithms developed to predict the effect of missense changes on protein structure and function output the following: SIFT: "Tolerated"; PolyPhen-2: "Benign"; Align-GVGD: "Class C0". The threonine amino acid residue is found in multiple mammalian species, which suggests that this missense change does not adversely affect protein function. This variant has not been reported in the literature in individuals affected with TONSL-related conditions. This variant is not present in population databases (gnomAD no frequency). This sequence change replaces alanine, which is neutral and non-polar, with threonine, which is neutral and polar, at codon 135 of the TONSL protein (p.Ala135Thr).